The following is an entry in ClinVar:

ClinVar aggregate classification (germline): Uncertain significance (1 of 4 stars; one submission).

Submission:

Labcorp Genetics (formerly Invitae), Labcorp
Classification: Uncertain significance. Last evaluated: 2022-11-08. Review status: criteria provided, single submitter. Criteria: Invitae Variant Classification Sherloc (09022015). Collection method: clinical testing. Allele origin: germline.
Comment: In summary, the available evidence is currently insufficient to determine the role of this variant in disease. Therefore, it has been classified as a Variant of Uncertain Significance. Advanced modeling of protein sequence and biophysical properties (such as structural, functional, and spatial information, amino acid conservation, physicochemical variation, residue mobility, and thermodynamic stability) performed at Invitae indicates that this missense variant is expected to disrupt ADD3 protein function. ClinVar contains an entry for this variant (Variation ID: 1447389). This variant has not been reported in the literature in individuals affected with ADD3-related conditions. This variant is not present in population databases (gnomAD no frequency). This sequence change replaces phenylalanine with valine at codon 213 of the ADD3 protein (p.Phe213Val). The phenylalanine residue is highly conserved and there is a small physicochemical difference between phenylalanine and valine.

NM_016824.5(ADD3):c.637T>G (p.Phe213Val)

Gene: ADD3 (adducin 3; plus strand). Cytogenetic location: 10q25.2.
Variant type: single nucleotide variant.
Coding change: c.637T>G on transcript NM_016824.5 (MANE Select); coding-DNA position 637, T replaced by G.
Protein change: p.Phe213Val; replaces phenylalanine 213 with valine.
Molecular consequence: missense variant.
Genome position (GRCh38, 1-based): chr10:110,118,656, T>G. VCF-style: chr10-110118656-T-G. GRCh37 (hg19) VCF-style: chr10-111878414-T-G.
Other names: c.637T>G, p.Phe213Val (NM_001121.4, NM_001320591.2, NM_001320592.2 and 2 more transcripts); c.403T>G, p.Phe135Val (NM_001320594.2); short protein forms F135V, F213V.
Identifiers: ClinVar variation 1447389 (VCV001447389.6), dbSNP rs2134116435, ClinGen allele CA378367052.